The following is an entry in ClinVar:

NM_000256.3(MYBPC3):c.1156G>T (p.Glu386Ter)

Gene: MYBPC3 (myosin binding protein C3; minus strand). Cytogenetic location: 11p11.2.
Variant type: single nucleotide variant.
Coding change: c.1156G>T on transcript NM_000256.3 (MANE Select); coding-DNA position 1156, G replaced by T.
Protein change: p.Glu386Ter; replaces glutamic acid 386 with a stop codon.
Molecular consequence: nonsense.
Genome position (GRCh38, 1-based): chr11:47,343,559, C>A on the plus strand (G>T on the coding strand, the complement: MYBPC3 is on the minus strand). VCF-style: chr11-47343559-C-A. GRCh37 (hg19) VCF-style: chr11-47365110-C-A.
Other names: short protein forms E386*.
Identifiers: ClinVar variation 42507 (VCV000042507.4), dbSNP rs397515888, ClinGen allele CA009823.

ClinVar aggregate classification (germline): Pathogenic (1 of 4 stars; one submission).

Conditions:
Hypertrophic cardiomyopathy. Also called: HYPERTROPHIC MYOCARDIOPATHY. Identifiers: Orphanet 217569, MedGen C0007194, MeSH D002312, MONDO:0005045, HP:0001639.

Submission:

Laboratory for Molecular Medicine, Mass General Brigham Personalized Medicine
Classification: Pathogenic for Hypertrophic cardiomyopathy. Last evaluated: 2010-08-13. Review status: criteria provided, single submitter. Criteria: LMM Criteria. Collection method: clinical testing. Allele origin: germline. Observed: 1 variant allele.
Comment: The Glu386X variant has not been reported in the literature nor has it been prev iously detected by our laboratory. This variant leads to a premature stop at co don 386, which is then predicted to lead to a truncated or absent protein (loss of function). Loss of function of the MYBPC3 gene is an established disease mech anism in HCM patients, which makes it highly likely that the Glu386X variant is pathogenic.